The following is an entry in ClinVar:

NM_001378204.1(CCDC18):c.117A>G (p.Leu39=)

Gene: CCDC18 (coiled-coil domain containing 18; plus strand). Cytogenetic location: 1p22.1.
Variant type: single nucleotide variant.
Coding change: c.117A>G on transcript NM_001378204.1 (MANE Select); coding-DNA position 117, A replaced by G.
Protein change: p.Leu39=; no amino-acid change (leucine 39 retained).
Molecular consequence: synonymous variant.
Genome position (GRCh38, 1-based): chr1:93,183,478, A>G. VCF-style: chr1-93183478-A-G. GRCh37 (hg19) VCF-style: chr1-93649035-A-G.
Other names: c.117A>G, p.Leu39= (NM_001306076.1, NM_206886.4).
Identifiers: ClinVar variation 3048946 (VCV003048946.2), dbSNP rs202201009, ClinGen allele CA953692.

ClinVar aggregate classification (germline): Likely benign (0 of 4 stars; one submission).

Conditions:
CCDC18-related disorder. Also called: CCDC18-related condition.

Allele frequency attached by ClinVar (database versions not stated): ESP Exome Variant Server 0.00017; TOPMed 0.00024; gnomAD exomes 0.00031; ExAC 0.00040.
gnomAD v4.1: 496 of 1,595,778 alleles (0.031%); highest among the groups gnomAD compares: Non-Finnish European, 0.037%; no homozygotes.

Submission:

PreventionGenetics, part of Exact Sciences
Classification: Likely benign for CCDC18-related condition. Last evaluated: 2019-03-28. Review status: no assertion criteria provided. Collection method: clinical testing. Allele origin: germline.
Comment: This variant is classified as likely benign based on ACMG/AMP sequence variant interpretation guidelines (Richards et al. 2015 PMID: 25741868, with internal and published modifications).